The following is an entry in ClinVar:

NM_003801.4(GPAA1):c.480G>A (p.Val160=)

Gene: GPAA1 (glycosylphosphatidylinositol anchor attachment 1; plus strand). Cytogenetic location: 8q24.3.
Variant type: single nucleotide variant.
Coding change: c.480G>A on transcript NM_003801.4 (MANE Select); coding-DNA position 480, G replaced by A.
Protein change: p.Val160=; no amino-acid change (valine 160 retained).
Molecular consequence: synonymous variant.
Genome position (GRCh38, 1-based): chr8:144,083,827, G>A. VCF-style: chr8-144083827-G-A. GRCh37 (hg19) VCF-style: chr8-145138730-G-A.
Other names: c.480G>A (NM_003801.3).
Identifiers: ClinVar variation 1662164 (VCV001662164.10), dbSNP rs782385150, ClinGen allele CA4932831.

ClinVar aggregate classification (germline): Likely benign. Review status: criteria provided, multiple submitters, no conflicts (2 of 4 stars). 3 submissions from 3 submitters: Likely benign (3). Last evaluated 2026-05-12.

Conditions:
GPAA1-related disorder. Also called: GPAA1-related condition.

Allele frequency attached by ClinVar (database versions not stated): ExAC 0.00007; gnomAD exomes 0.00008; TOPMed 0.00009.

Submissions (3):

PreventionGenetics, part of Exact Sciences
Classification: Likely benign for GPAA1-related condition. Last evaluated: 2026-05-12. Review status: criteria provided, single submitter. Criteria: ACMG Guidelines, 2015. Collection method: clinical testing. Allele origin: germline.
Comment: This variant is classified as likely benign based on ACMG/AMP sequence variant interpretation guidelines (Richards et al. 2015 PMID: 25741868, with internal and published modifications).

Labcorp Genetics (formerly Invitae), Labcorp
Classification: Likely benign. Last evaluated: 2025-08-04. Review status: criteria provided, single submitter. Criteria: Invitae Variant Classification Sherloc (09022015). Collection method: clinical testing. Allele origin: germline.

Blueprint Genetics
Classification: Likely benign. Last evaluated: 2024-09-19. Review status: criteria provided, single submitter. Criteria: ACMG Guidelines, 2015. Collection method: clinical testing. Allele origin: germline.